The following is an entry in ClinVar:

NM_014362.4(HIBCH):c.750G>A (p.Glu250=)

Gene: HIBCH (3-hydroxyisobutyryl-CoA hydrolase; minus strand). Cytogenetic location: 2q32.2.
Variant type: single nucleotide variant.
Coding change: c.750G>A on transcript NM_014362.4 (MANE Select); coding-DNA position 750, G replaced by A.
Protein change: p.Glu250=; no amino-acid change (glutamic acid 250 retained).
Molecular consequence: synonymous variant.
Genome position (GRCh38, 1-based): chr2:190,249,640, C>T on the plus strand (G>A on the coding strand, the complement: HIBCH is on the minus strand). VCF-style: chr2-190249640-C-T. GRCh37 (hg19) VCF-style: chr2-191114366-C-T.
Other names: c.750G>A, p.Glu250= (NM_198047.3).
Identifiers: ClinVar variation 2504876 (VCV002504876.1), dbSNP rs1006248346, ClinGen allele CA62619319.

ClinVar aggregate classification (germline): Uncertain significance (1 of 4 stars; one submission).

Allele frequency attached by ClinVar (database versions not stated): gnomAD exomes below 0.00001; gnomAD 0.00001; TOPMed 0.00001.
gnomAD v4.1: 3 of 1,548,308 alleles (0.00019%); highest among the groups gnomAD compares: East Asian, 0.0023%; no homozygotes.

Submission:

GeneDx
Classification: Uncertain significance. Last evaluated: 2022-12-09. Review status: criteria provided, single submitter. Criteria: GeneDx Variant Classification Process June 2021. Collection method: clinical testing. Allele origin: germline. Affected: yes.
Comment: Splice site variant predicted to cause abnormal gene splicing resulting in an in-frame protein product with an abnormal message. However, in the absence of RNA/functional studies, the actual effect of this variant is unknown.; Not observed at significant frequency in large population cohorts (gnomAD); This variant is associated with the following publications: (PMID: 30904718)